The following is an entry in ClinVar:

NM_018896.5(CACNA1G):c.5326T>G (p.Cys1776Gly)

Gene: CACNA1G (calcium voltage-gated channel subunit alpha1 G; plus strand). Cytogenetic location: 17q21.33.
Variant type: single nucleotide variant.
Coding change: c.5326T>G on transcript NM_018896.5 (MANE Select); coding-DNA position 5326, T replaced by G.
Protein change: p.Cys1776Gly; replaces cysteine 1776 with glycine.
Molecular consequence: missense variant. On other transcripts: non-coding transcript variant (5).
Genome position (GRCh38, 1-based): chr17:50,618,242, T>G. VCF-style: chr17-50618242-T-G. GRCh37 (hg19) VCF-style: chr17-48695603-T-G.
Other names: c.5272T>G, p.Cys1758Gly (NM_001256324.2, NM_198386.3); c.5347T>G, p.Cys1783Gly (NM_001256325.2); c.5191T>G, p.Cys1731Gly (NM_001256326.2, NM_001256330.2); c.5305T>G, p.Cys1769Gly (NM_001256327.2); c.5251T>G, p.Cys1751Gly (NM_001256328.2); c.5224T>G, p.Cys1742Gly (NM_001256329.2, NM_198376.3, NM_198379.3 and 2 more transcripts); c.5170T>G, p.Cys1724Gly (NM_001256331.2); c.5155T>G, p.Cys1719Gly (NM_001256332.2); and 7 more; short protein forms C1719G, C1724G, C1731G, C1735G, C1738G, C1740G, C1742G, C1749G.
Identifiers: ClinVar variation 2574786 (VCV002574786.1), dbSNP rs2545750149, ClinGen allele CA400264068.

ClinVar aggregate classification (germline): Uncertain significance (1 of 4 stars; one submission).

Submission:

GeneDx
Classification: Uncertain significance. Last evaluated: 2023-02-01. Review status: criteria provided, single submitter. Criteria: GeneDx Variant Classification Process June 2021. Collection method: clinical testing. Allele origin: germline. Affected: yes.
Comment: Not observed at significant frequency in large population cohorts (gnomAD); In silico analysis supports that this missense variant has a deleterious effect on protein structure/function; Has not been previously published as pathogenic or benign to our knowledge